The following is an entry in ClinVar:

NM_017841.4(SDHAF2):c.283C>T (p.Gln95Ter)

Gene: SDHAF2 (succinate dehydrogenase complex assembly factor 2; plus strand). Cytogenetic location: 11q12.2.
Variant type: single nucleotide variant.
Coding change: c.283C>T on transcript NM_017841.4 (MANE Select); coding-DNA position 283, C replaced by T.
Protein change: p.Gln95Ter; replaces glutamine 95 with a stop codon.
Molecular consequence: nonsense.
Genome position (GRCh38, 1-based): chr11:61,438,026, C>T. VCF-style: chr11-61438026-C-T. GRCh37 (hg19) VCF-style: chr11-61205498-C-T.
Other names: short protein forms Q95*.
Identifiers: ClinVar variation 2070423 (VCV002070423.6), dbSNP rs2540124855, ClinGen allele CA380684059.

ClinVar aggregate classification (germline): Pathogenic. Review status: criteria provided, multiple submitters, no conflicts (2 of 4 stars). 2 submissions from 2 submitters: Pathogenic (2). Last evaluated 2025-05-05.

Conditions:
Hereditary pheochromocytoma and paraganglioma. Also called: Hereditary paragangliomas and pheochromocytomas; Hereditary Paraganglioma-Pheochromocytoma Syndromes; Hereditary pheochromocytoma-paraganglioma. Identifiers: Orphanet 29072, MedGen C4274332, MONDO:0017366.
Hereditary cancer-predisposing syndrome. Also called: Tumor predisposition; Hereditary Cancer Syndrome; Hereditary neoplastic syndrome; Neoplastic Syndromes, Hereditary. Identifiers: Orphanet 140162, MedGen C0027672, MeSH D009386, MONDO:0015356.

Submissions (2):

Labcorp Genetics (formerly Invitae), Labcorp
Classification: Pathogenic for Hereditary pheochromocytoma and paraganglioma. Last evaluated: 2025-05-05. Review status: criteria provided, single submitter. Criteria: Invitae Variant Classification Sherloc (09022015). Collection method: clinical testing. Allele origin: germline.
Comment: This sequence change creates a premature translational stop signal (p.Gln95*) in the SDHAF2 gene. It is expected to result in an absent or disrupted protein product. Loss-of-function variants in SDHAF2 are known to be pathogenic (PMID: 22241717, 26096992). This variant is not present in population databases (gnomAD no frequency). This variant has not been reported in the literature in individuals affected with SDHAF2-related conditions. ClinVar contains an entry for this variant (Variation ID: 2070423). For these reasons, this variant has been classified as Pathogenic.

Ambry Genetics
Classification: Pathogenic for Hereditary cancer-predisposing syndrome. Last evaluated: 2023-05-17. Review status: criteria provided, single submitter. Criteria: Ambry Variant Classification Scheme 2023. Collection method: clinical testing. Allele origin: germline.
Comment: The p.Q95* pathogenic mutation (also known as c.283C>T), located in coding exon 3 of the SDHAF2 gene, results from a C to T substitution at nucleotide position 283. This changes the amino acid from a glutamine to a stop codon within coding exon 3. This variant is considered to be rare based on population cohorts in the Genome Aggregation Database (gnomAD). This alteration is expected to result in loss of function by premature protein truncation or nonsense-mediated mRNA decay. As such, this alteration is interpreted as a disease-causing mutation.

Literature cited by the submitters: PubMed 22241717 (cited by Labcorp Genetics (formerly Invitae), Labcorp); PubMed 26096992 (cited by Labcorp Genetics (formerly Invitae), Labcorp).